The following is an entry in ClinVar:

NM_152703.5(SAMD9L):c.4661G>C (p.Gly1554Ala)

Gene: SAMD9L (sterile alpha motif domain containing 9 like; minus strand). Cytogenetic location: 7q21.2.
Variant type: single nucleotide variant.
Coding change: c.4661G>C on transcript NM_152703.5 (MANE Select); coding-DNA position 4661, G replaced by C.
Protein change: p.Gly1554Ala; replaces glycine 1554 with alanine.
Molecular consequence: missense variant.
Genome position (GRCh38, 1-based): chr7:93,131,311, C>G on the plus strand (G>C on the coding strand, the complement: SAMD9L is on the minus strand). VCF-style: chr7-93131311-C-G. GRCh37 (hg19) VCF-style: chr7-92760624-C-G.
Other names: c.4661G>C, p.Gly1554Ala (NM_001303496.3, NM_001303497.3, NM_001303498.3 and 5 more transcripts); c.4661G>C (NM_152703.2); short protein forms G1554A.
Identifiers: ClinVar variation 2633730 (VCV002633730.5), dbSNP rs768861362, ClinGen allele CA4343262.

ClinVar aggregate classification (germline): Uncertain significance. Review status: criteria provided, multiple submitters, no conflicts (2 of 4 stars). 4 submissions from 4 submitters: Uncertain significance (4). Last evaluated 2025-05-21.

Conditions:
Inborn genetic diseases. Identifiers: MedGen C0950123, MeSH D030342.
SAMD9L-related disorder. Also called: SAMD9L-related condition; SAMD9L-related disorders.

Allele frequency attached by ClinVar (database versions not stated): ExAC 0.00001; gnomAD exomes 0.00001; TOPMed 0.00001.

Submissions (4):

Ambry Genetics
Classification: Uncertain significance for Inborn genetic diseases. Last evaluated: 2025-05-21. Review status: criteria provided, single submitter. Criteria: Ambry Variant Classification Scheme 2023. Collection method: clinical testing. Allele origin: germline.
Comment: The p.G1554A variant (also known as c.4661G>C), located in coding exon 1 of the SAMD9L gene, results from a G to C substitution at nucleotide position 4661. The glycine at codon 1554 is replaced by alanine, an amino acid with similar properties. This amino acid position is conserved. In addition, this alteration is predicted to be tolerated by in silico analysis. Based on the available evidence, the clinical significance of this variant remains unclear.

Labcorp Genetics (formerly Invitae), Labcorp
Classification: Uncertain significance. Last evaluated: 2024-12-08. Review status: criteria provided, single submitter. Criteria: Invitae Variant Classification Sherloc (09022015). Collection method: clinical testing. Allele origin: germline.
Comment: This sequence change replaces glycine, which is neutral and non-polar, with alanine, which is neutral and non-polar, at codon 1554 of the SAMD9L protein (p.Gly1554Ala). This variant is present in population databases (rs768861362, gnomAD 0.0009%). This variant has not been reported in the literature in individuals affected with SAMD9L-related conditions. ClinVar contains an entry for this variant (Variation ID: 2633730). Invitae Evidence Modeling of protein sequence and biophysical properties (such as structural, functional, and spatial information, amino acid conservation, physicochemical variation, residue mobility, and thermodynamic stability) indicates that this missense variant is not expected to disrupt SAMD9L protein function with a negative predictive value of 80%. In summary, the available evidence is currently insufficient to determine the role of this variant in disease. Therefore, it has been classified as a Variant of Uncertain Significance.

GeneDx
Classification: Uncertain significance. Last evaluated: 2024-01-04. Review status: criteria provided, single submitter. Criteria: GeneDx Variant Classification Process June 2021. Collection method: clinical testing. Allele origin: germline. Affected: yes.
Comment: Not observed at significant frequency in large population cohorts (gnomAD); In silico analysis supports that this missense variant does not alter protein structure/function; Has not been previously published as pathogenic or benign to our knowledge; This variant is associated with the following publications: (PMID: 28545555)

PreventionGenetics, part of Exact Sciences
Classification: Uncertain significance for SAMD9L-related condition. Last evaluated: 2023-03-25. Review status: criteria provided, single submitter. Criteria: ACMG Guidelines, 2015. Collection method: clinical testing. Allele origin: germline.
Comment: The SAMD9L c.4661G>C variant is predicted to result in the amino acid substitution p.Gly1554Ala. To our knowledge, this variant has not been reported in the literature. This variant is reported in 0.00088% of alleles in individuals of European (Non-Finnish) descent in gnomAD. At this time, the clinical significance of this variant is uncertain due to the absence of conclusive functional and genetic evidence.